The following is an entry in ClinVar:

ClinVar aggregate classification (germline): Uncertain significance. Review status: criteria provided, multiple submitters, no conflicts (2 of 4 stars). 3 submissions from 3 submitters: Uncertain significance (3). Last evaluated 2025-08-31.

Conditions:
Cardiovascular phenotype. Identifiers: MedGen CN230736.
Brugada syndrome 5 (BRGDA5). Identifiers: Orphanet 130, Orphanet 871, MedGen C2748541, MONDO:0013015, OMIM 612838.

Allele frequency attached by ClinVar (database versions not stated): gnomAD 0.00001; gnomAD exomes 0.00001; TOPMed 0.00001; ExAC 0.00002.
gnomAD v4.1: 24 of 1,614,072 alleles (0.0015%); highest among the groups gnomAD compares: East Asian, 0.0067%; no homozygotes.

Submissions (3):

Labcorp Genetics (formerly Invitae), Labcorp
Classification: Uncertain significance for Brugada syndrome 5. Last evaluated: 2025-08-31. Review status: criteria provided, single submitter. Criteria: Invitae Variant Classification Sherloc (09022015). Collection method: clinical testing. Allele origin: germline.
Comment: The SCN1B gene has multiple clinically relevant transcripts. This variant occurs in alternate transcript NM_001037.4, and corresponds to NM_199037.3:c.*5581C>T in the primary transcript. This sequence change replaces threonine, which is neutral and polar, with methionine, which is neutral and non-polar, at codon 212 of the SCN1B protein (p.Thr212Met). This variant is present in population databases (rs748784203, gnomAD 0.01%). This variant has not been reported in the literature in individuals affected with SCN1B-related conditions. Experimental studies and prediction algorithms are not available or were not evaluated, and the functional significance of this variant is currently unknown. In summary, the available evidence is currently insufficient to determine the role of this variant in disease. Therefore, it has been classified as a Variant of Uncertain Significance.

Ambry Genetics
Classification: Uncertain significance for Cardiovascular phenotype. Last evaluated: 2023-07-26. Review status: criteria provided, single submitter. Criteria: Ambry Variant Classification Scheme 2023. Collection method: clinical testing. Allele origin: germline.
Comment: The p.T212M variant (also known as c.635C>T), located in coding exon 5 of the SCN1B gene, results from a C to T substitution at nucleotide position 635. The threonine at codon 212 is replaced by methionine, an amino acid with similar properties. This amino acid position is not well conserved in available vertebrate species. In addition, the in silico prediction for this alteration is inconclusive. Since supporting evidence is limited at this time, the clinical significance of this alteration remains unclear.

GeneDx
Classification: Uncertain significance. Last evaluated: 2022-11-15. Review status: criteria provided, single submitter. Criteria: GeneDx Variant Classification Process June 2021. Collection method: clinical testing. Allele origin: germline. Affected: yes.
Comment: Not observed at significant frequency in large population cohorts (gnomAD); In silico analysis supports that this missense variant does not alter protein structure/function; This variant is associated with the following publications: (PMID: 34395343)

NM_001037.5(SCN1B):c.635C>T (p.Thr212Met)

Gene: SCN1B (sodium voltage-gated channel beta subunit 1; plus strand). Cytogenetic location: 19q13.11.
Variant type: single nucleotide variant.
Coding change: c.635C>T on transcript NM_001037.5 (MANE Select); coding-DNA position 635, C replaced by T.
Protein change: p.Thr212Met; replaces threonine 212 with methionine.
Molecular consequence: missense variant.
Genome position (GRCh38, 1-based): chr19:35,039,679, C>T. VCF-style: chr19-35039679-C-T. GRCh37 (hg19) VCF-style: chr19-35530583-C-T.
Other names: c.536C>T, p.Thr179Met (NM_001321605.2); short protein forms T179M, T212M.
Identifiers: ClinVar variation 1802097 (VCV001802097.6), dbSNP rs748784203, ClinGen allele CA9372123.